The following is an entry in ClinVar:

ClinVar aggregate classification (germline): Likely benign (1 of 4 stars; one submission).

Conditions:
VIM-related disorder. Also called: VIM-related condition.

gnomAD v4.1: 66 of 1,613,498 alleles (0.0041%); highest among the groups gnomAD compares: African/African-American, 0.075%; no homozygotes.

Submission:

PreventionGenetics, part of Exact Sciences
Classification: Likely benign for VIM-related condition. Last evaluated: 2026-07-16. Review status: criteria provided, single submitter. Criteria: ACMG Guidelines, 2015. Collection method: clinical testing. Allele origin: germline.
Comment: This variant is classified as likely benign based on ACMG/AMP sequence variant interpretation guidelines (Richards et al. 2015 PMID: 25741868, with internal and published modifications).

NM_003380.5(VIM):c.1293C>T (p.Leu431=)

Gene: VIM (vimentin; plus strand). Cytogenetic location: 10p13.
Variant type: single nucleotide variant.
Coding change: c.1293C>T on transcript NM_003380.5 (MANE Select); coding-DNA position 1293, C replaced by T.
Protein change: p.Leu431=; no amino-acid change (leucine 431 retained).
Molecular consequence: synonymous variant.
Genome position (GRCh38, 1-based): chr10:17,236,313, C>T. VCF-style: chr10-17236313-C-T. GRCh37 (hg19) VCF-style: chr10-17278312-C-T.
Identifiers: ClinVar variation 5001110 (VCV005001110.1).